The following is an entry in ClinVar:

ClinVar aggregate classification (germline): Likely benign. Review status: criteria provided, multiple submitters, no conflicts (2 of 4 stars). 3 submissions from 3 submitters: Likely benign (3). Last evaluated 2026-03-01.

Allele frequency attached by ClinVar (database versions not stated): ExAC 0.00020; gnomAD exomes 0.00021 and 0.00027; gnomAD 0.00023 and 0.00025; TOPMed 0.00026; ESP Exome Variant Server 0.00054.

Submissions (3):

CeGaT Center for Human Genetics Tuebingen
Classification: Likely benign. Last evaluated: 2026-03-01. Review status: criteria provided, single submitter. Criteria: CeGaT Center For Human Genetics Tuebingen Variant Classification Criteria Version 2. Collection method: clinical testing. Allele origin: germline. Affected: yes. Observed: 6 variant alleles.
Comment: NFKB1: BP4, BP7

Labcorp Genetics (formerly Invitae), Labcorp
Classification: Likely benign. Last evaluated: 2026-02-01. Review status: criteria provided, single submitter. Criteria: Invitae Variant Classification Sherloc (09022015). Collection method: clinical testing. Allele origin: germline.

Blueprint Genetics
Classification: Likely benign. Last evaluated: 2024-11-07. Review status: criteria provided, single submitter. Criteria: ACMG Guidelines, 2015. Collection method: clinical testing. Allele origin: germline.

NM_003998.4(NFKB1):c.1332T>C (p.Pro444=)

Gene: NFKB1 (nuclear factor kappa B subunit 1; plus strand). Cytogenetic location: 4q24.
Variant type: single nucleotide variant.
Coding change: c.1332T>C on transcript NM_003998.4 (MANE Select); coding-DNA position 1332, T replaced by C.
Protein change: p.Pro444=; no amino-acid change (proline 444 retained).
Molecular consequence: synonymous variant.
Genome position (GRCh38, 1-based): chr4:102,596,169, T>C. VCF-style: chr4-102596169-T-C. GRCh37 (hg19) VCF-style: chr4-103517326-T-C.
Other names: c.1329T>C, p.Pro443= (NM_001165412.2, NM_001319226.2).
Identifiers: ClinVar variation 809647 (VCV000809647.49), dbSNP rs139489039, ClinGen allele CA3026135.